The following is an entry in ClinVar:

ClinVar aggregate classification (germline): Likely pathogenic (1 of 4 stars; one submission).

Submission:

Labcorp Genetics (formerly Invitae), Labcorp
Classification: Likely pathogenic. Last evaluated: 2023-10-04. Review status: criteria provided, single submitter. Criteria: Invitae Variant Classification Sherloc (09022015). Collection method: clinical testing. Allele origin: germline.
Comment: This sequence change replaces tyrosine, which is neutral and polar, with asparagine, which is neutral and polar, at codon 111 of the EBP protein (p.Tyr111Asn). This variant is not present in population databases (gnomAD no frequency). This missense change has been observed in individual(s) with chondrodysplasia punctata (Invitae). Advanced modeling of protein sequence and biophysical properties (such as structural, functional, and spatial information, amino acid conservation, physicochemical variation, residue mobility, and thermodynamic stability) performed at Invitae indicates that this missense variant is expected to disrupt EBP protein function. In summary, the currently available evidence indicates that the variant is pathogenic, but additional data are needed to prove that conclusively. Therefore, this variant has been classified as Likely Pathogenic.

NM_006579.3(EBP):c.331T>A (p.Tyr111Asn)

Gene: EBP (EBP cholestenol delta-isomerase; plus strand). Cytogenetic location: Xp11.23.
Variant type: single nucleotide variant.
Coding change: c.331T>A on transcript NM_006579.3 (MANE Select); coding-DNA position 331, T replaced by A.
Protein change: p.Tyr111Asn; replaces tyrosine 111 with asparagine.
Molecular consequence: missense variant.
Genome position (GRCh38, 1-based): chrX:48,527,018, T>A. VCF-style: chrX-48527018-T-A. GRCh37 (hg19) VCF-style: chrX-48385406-T-A.
Other names: short protein forms Y111N.
Identifiers: ClinVar variation 2765456 (VCV002765456.3), dbSNP rs587783614, ClinGen allele CA412852174.